The following is an entry in ClinVar:

NM_152416.4(NDUFAF6):c.233_242dup (p.Glu82fs)

Gene: NDUFAF6 (NADH:ubiquinone oxidoreductase complex assembly factor 6; plus strand). Cytogenetic location: 8q22.1.
Variant type: Microsatellite.
Coding change: c.233_242dup on transcript NM_152416.4 (MANE Select); coding-DNA positions 233 to 242, 10 bases duplicated (TGCTCCCTGC; older notation c.233_242dupTGCTCCCTGC).
Protein change: p.Glu82fs; shifts the reading frame from glutamic acid 82.
Molecular consequence: frameshift variant. On other transcripts: 5 prime UTR variant (17), non-coding transcript variant (6), intron variant (1).
Genome position (GRCh38, 1-based): chr8:95,032,030-95,032,039, TGCTCCCTGC duplicated; duplicating any 10 consecutive bases within chr8:95,032,020-95,032,039 gives the same sequence; the c. name uses the placement nearest the transcript's 3' end. VCF-style (leftmost placement, unchanged base first): chr8-95032019-A-ATGCTCCCTGC. GRCh37 (hg19) VCF-style: chr8-96044247-A-ATGCTCCCTGC.
Other names: c.-58TGCTCCCTGC[3] (NM_001330582.2, NM_001354514.2, NM_001354515.2 and 1 more transcripts); c.77_86dup, p.Glu30fs (NM_001354516.2); c.-230TGCTCCCTGC[3] (NM_001354518.2); c.-226TGCTCCCTGC[3] (NM_001354519.2); c.-358TGCTCCCTGC[3] (NM_001354522.2, NM_001354529.2); c.-431TGCTCCCTGC[3] (NM_001354524.2, NM_001354525.2); c.-575TGCTCCCTGC[3] (NM_001354527.2); c.-546TGCTCCCTGC[3] (NM_001354528.2); and 9 more; short protein forms E82fs, E30fs.
Identifiers: ClinVar variation 214215 (VCV000214215.10), dbSNP rs863223932, ClinGen allele CA325274.
Genomic context (GRCh38, chr8:95,032,019, plus strand): 5'-TGAAGAGTAACTGTCTTTTTTTTCTGTCTGTTACAGGAAACGGGATTATGAAGGTTATTT[A>ATGCTCCCTGC]TGCTCCCTGCTGCTCCCTGCAGAATCCCGAAGCTCTGTTTTTGCACTGAGGGCCTTTAAT-3'

ClinVar aggregate classification (germline): Conflicting classifications of pathogenicity. Review status: criteria provided, conflicting classifications (1 of 4 stars). 6 submissions from 6 submitters: Pathogenic (1); Likely pathogenic (3); Uncertain significance (2). Last evaluated 2025-09-06.

Conditions:
Mitochondrial complex I deficiency, nuclear type 17. Also called: Mitochondrial complex 1 deficiency, nuclear type 17. Identifiers: MedGen C4748786, MONDO:0032622, OMIM 618239.
NDUFAF6-related disorder. Also called: NDUFAF6-related condition.

Allele frequency attached by ClinVar (database versions not stated): TOPMed 0.00001.

Submissions (6):

PreventionGenetics, part of Exact Sciences
Classification: Uncertain significance for NDUFAF6-related condition. Last evaluated: 2025-09-06. Review status: criteria provided, single submitter. Criteria: ACMG Guidelines, 2015. Collection method: clinical testing. Allele origin: germline.
Comment: The NDUFAF6 c.233_242dup10 variant is predicted to result in a frameshift and premature protein termination (p.Glu82Alafs*16). To our knowledge, this variant has not been reported in the literature; however, loss-of-function variants in NDUFAF6 are expected to cause disease. This variant is reported in 0.016% of alleles in individuals of European (Non-Finnish) descent in gnomAD, which is more common than expected for a disease-causing variant. Although we suspect that this variant may be pathogenic, at this time, the clinical significance is uncertain due to the absence of conclusive functional and genetic evidence.

Labcorp Genetics (formerly Invitae), Labcorp
Classification: Pathogenic. Last evaluated: 2025-03-07. Review status: criteria provided, single submitter. Criteria: Invitae Variant Classification Sherloc (09022015). Collection method: clinical testing. Allele origin: germline.
Comment: This sequence change creates a premature translational stop signal (p.Glu82Alafs*16) in the NDUFAF6 gene. It is expected to result in an absent or disrupted protein product. Loss-of-function variants in NDUFAF6 are known to be pathogenic (PMID: 28639102, 30642748). The frequency data for this variant in the population databases is considered unreliable, as metrics indicate poor data quality at this position in the gnomAD database. This variant has not been reported in the literature in individuals affected with NDUFAF6-related conditions. For these reasons, this variant has been classified as Pathogenic.

Blueprint Genetics
Classification: Likely pathogenic for NDUFAF6-related disorders. Last evaluated: 2024-11-19. Review status: criteria provided, single submitter. Criteria: ACMG Guidelines, 2015. Collection method: clinical testing. Allele origin: germline. Affected: yes. Observed: 5 variant alleles.

Genetic Services Laboratory, University of Chicago
Classification: Likely pathogenic. Last evaluated: 2024-04-22. Review status: criteria provided, single submitter. Criteria: ACMG Guidelines, 2015. Collection method: clinical testing. Allele origin: germline. Affected: yes.
Comment: DNA sequence analysis of the NDUFAF6 gene demonstrated a 10 base pair duplication in exon 2, c.233_242dup. This likely pathogenic sequence change results in an amino acid frameshift and creates a premature stop codon 15 amino acids downstream of the change, p.Glu82Alafs*16. This likely pathogenic sequence change is predicted to result in an abnormal transcript, which may be degraded, or may lead to the production of a truncated NDUFAF6 protein with potentially abnormal function. While this duplication has not previously been described in the literature, other loss-of-function variants in the NDUFAF6 gene, downstream of this variant, have been described in several individuals with NDUFAF6-related disorders (PMID: 28639102, 30642748). In addition, a deletion of the same 10 base pairs, c.233_242del has been described in the compound heterozygous state with a second variant in an individual with Leigh syndrome (PMID: 35664867). The effect of the c.233_242dup is likely to be similar to that of the c.233_242del variant. This sequence change has been described in the gnomAD database with a frequency of 0.009% in the overall population (dbSNP rs1330936777). Collectively, this evidence indicates that this sequence change is likely pathogenic, however functional studies have not been performed to prove this conclusively.

Women's Health and Genetics/Laboratory Corporation of America, LabCorp
Classification: Likely pathogenic for Mitochondrial complex I deficiency, nuclear type 17. Last evaluated: 2022-12-09. Review status: criteria provided, single submitter. Criteria: LabCorp Variant Classification Summary - May 2015. Collection method: clinical testing. Allele origin: germline.
Comment: Variant summary: C8orf38 (also known as NDUFAF6) c.233_242dup10 (p.Glu82AlafsX16) results in a premature termination codon, predicted to cause a truncation of the encoded protein or absence of the protein due to nonsense mediated decay, which are commonly known mechanisms for disease. Truncations downstream of this position have been classified as pathogenic in ClinVar database. The variant was absent in 251490 control chromosomes (gnomAD). To our knowledge, no occurrence of c.233_242dup10 in individuals affected with Mitochondrial Complex 1 Deficiency, Nuclear Type 17 and no experimental evidence demonstrating its impact on protein function have been reported. One ClinVar submitter (evaluation after 2014) cites this variant as uncertain significance. Based on the evidence outlined above, the variant was classified as likely pathogenic.

GeneDx
Classification: Uncertain significance. Last evaluated: 2019-11-13. Review status: criteria provided, single submitter. Criteria: GeneDx Variant Classification Process June 2021. Collection method: clinical testing. Allele origin: germline. Affected: yes.
Comment: Frameshift variant predicted to result in protein truncation or nonsense mediated decay in a gene for which loss-of-function is a known mechanism of disease; Has not been previously published as pathogenic or benign to our knowledge

Literature cited by the submitters: PubMed 28639102 (cited by Labcorp Genetics (formerly Invitae), Labcorp); PubMed 30642748 (cited by Labcorp Genetics (formerly Invitae), Labcorp).